The following is an entry in ClinVar:

ClinVar aggregate classification (germline): Pathogenic. Review status: criteria provided, multiple submitters, no conflicts (2 of 4 stars). 13 submissions from 13 submitters: Pathogenic (10). 3 of the submissions do not count toward it. Last evaluated 2025-12-22.

Conditions:
LRRK2-related disorder. Also called: LRRK2-related condition.
Autosomal dominant Parkinson disease 8. Also called: LRRK2-Related Parkinson Disease; Parkinson disease 8; Parkinson disease 8, susceptibility to. Identifiers: Orphanet 411602, MedGen C1846862, MONDO:0011764, OMIM 607060.

Allele frequency attached by ClinVar (database versions not stated): ExAC 0.00001; TOPMed 0.00001; gnomAD 0.00003 and 0.00004.
gnomAD v4.1: 39 of 1,612,956 alleles (0.0024%); highest among the groups gnomAD compares: Middle Eastern, 0.12%; no homozygotes.

Submissions (13):

Labcorp Genetics (formerly Invitae), Labcorp
Classification: Pathogenic for Autosomal dominant Parkinson disease 8. Last evaluated: 2025-12-22. Review status: criteria provided, single submitter. Criteria: Invitae Variant Classification Sherloc (09022015). Collection method: clinical testing. Allele origin: germline.
Comment: This sequence change replaces arginine, which is basic and polar, with cysteine, which is neutral and slightly polar, at codon 1441 of the LRRK2 protein (p.Arg1441Cys). This variant is present in population databases (rs33939927, gnomAD 0.01%). This missense change has been observed in individuals with Parkinson's disease (PMID: 15541309, 21538529, 24565865). It has also been observed to segregate with disease in related individuals. ClinVar contains an entry for this variant (Variation ID: 1938). Invitae Evidence Modeling of protein sequence and biophysical properties (such as structural, functional, and spatial information, amino acid conservation, physicochemical variation, residue mobility, and thermodynamic stability) has been performed for this missense variant. However, the output from this modeling did not meet the statistical confidence thresholds required to predict the impact of this variant on LRRK2 protein function. Experimental studies have shown that this missense change affects LRRK2 function (PMID: 16750377, 17200152, 21494637, 21658387, 23241745). For these reasons, this variant has been classified as Pathogenic.

GeneDx
Classification: Pathogenic. Last evaluated: 2025-11-26. Review status: criteria provided, single submitter. Criteria: GeneDx Variant Classification Process June 2021. Collection method: clinical testing. Allele origin: germline.
Comment: Published functional studies demonstrate a damaging effect; the p.R1441C variant reduces GTPase activity and increases kinase activity, leading to increased formation of inclusion bodies, neuronal cell death, production of enlarged lysosomes, and impaired Golgi transport (PMID: 25201882, 16750377, 26251043); In silico analysis supports that this missense variant has a deleterious effect on protein structure/function; This variant is associated with the following publications: (PMID: 29357897, 24282027, 30796162, 17200152, 19640926, 22080837, 21538529, 24375786, 24488318, 16750377, 26251043, 27794539, 26159606, 20301387, 25201882, 28576705, 15541309, 33818904, 31324919, 16333314, 23895867, 24470158, 28131193, 17089395, 24565865, 37201327, 37198191, 35861376, 37046401, 37152446, 19302196, 32613234, 35150601, 39034353, 25330418, 24351927, 22004453, 17623048, 19781641, 22988862, 20642453, 21658387, 17442267, 17447891, 32870915, 32580205, 17706965, 34914695, 25174890, 35029295, 24148854, 19029519, 21494637, 23082216, 23241745, 18657457, 37750340, 39962078)

Revvity Omics, Revvity
Classification: Pathogenic. Last evaluated: 2025-07-12. Review status: criteria provided, single submitter. Criteria: ACMG Guidelines, 2015. Collection method: clinical testing. Allele origin: germline.

Fulgent Genetics
Classification: Pathogenic for Autosomal dominant Parkinson disease 8. Last evaluated: 2024-05-31. Review status: criteria provided, single submitter. Criteria: ACMG Guidelines, 2015. Collection method: clinical testing. Allele origin: germline.

Blueprint Genetics
Classification: Pathogenic for LRRK2-related disorders. Last evaluated: 2024-03-28. Review status: criteria provided, single submitter. Criteria: ACMG Guidelines, 2015. Collection method: clinical testing. Allele origin: germline. Affected: yes. Observed: 5 variant alleles.

CeGaT Center for Human Genetics Tuebingen
Classification: Pathogenic. Last evaluated: 2024-02-01. Review status: criteria provided, single submitter. Criteria: CeGaT Center For Human Genetics Tuebingen Variant Classification Criteria Version 2. Collection method: clinical testing. Allele origin: germline. Affected: yes. Observed: 2 variant alleles.
Comment: LRRK2: PP1:Strong, PS3, PM2, PM5, PS4:Moderate

Women's Health and Genetics/Laboratory Corporation of America, LabCorp
Classification: Pathogenic for Autosomal dominant Parkinson disease 8. Last evaluated: 2023-10-17. Review status: criteria provided, single submitter. Criteria: LabCorp Variant Classification Summary - May 2015. Collection method: clinical testing. Allele origin: germline.
Comment: Variant summary: LRRK2 c.4321C>T (p.Arg1441Cys) results in a non-conservative amino acid change located in the Small GTP-binding protein domain (IPR005225) of the encoded protein sequence. Four of five in-silico tools predict a damaging effect of the variant on protein function. The variant allele was found at a frequency of 1.2e-05 in 251116 control chromosomes. c.4321C>T has been reported in the literature in multiple individuals affected with Autosomal Dominant Parkinson Disease (example, Zimprich_2004, DiFonzo_2006). It has also been observed to segregate with disease in related individuals (Zimprich_2004). These data indicate that the variant is very likely to be associated with disease. At least one publication reports experimental evidence evaluating an impact on protein function. Decreased LRRK2 autophosphorylation, increased formation of inclusion bodies, cell death of neurons and neuronal cell lines after expression of this variant have been reported (Greggio_2006). The following publications have been ascertained in the context of this evaluation (PMID: 16633828, 16750377, 15541309). Five submitters have cited clinical-significance assessments for this variant to ClinVar after 2014. All submitters classified the variant as pathogenic. Based on the evidence outlined above, the variant was classified as pathogenic.

Mayo Clinic Laboratories, Mayo Clinic
Classification: Pathogenic. Last evaluated: 2023-07-05. Review status: criteria provided, single submitter. Criteria: ACMG Guidelines, 2015. Collection method: clinical testing. Allele origin: germline. Observed: 1 variant allele.
Comment: PP1, PM1, PM5, PS3, PS4

Athena Diagnostics
Classification: Pathogenic. Last evaluated: 2022-05-04. Review status: criteria provided, single submitter. Criteria: Athena Diagnostics Criteria. Collection method: clinical testing. Allele origin: unknown.
Comment: The frequency of this variant in the general population is consistent with pathogenicity (Genome Aggregation Database (gnomAD), Cambridge, MA (URL). This variant has been identified in multiple individuals and families with Parkinson disease (PD) and has been reported as one of the most common pathogenic variants in the LRRK2 gene (PMID: 15541309, 18197194, 18337586, 21538529, 24496098, 32580205). This variant has been primarily identified in individuals with PD diagnosed after the age of 50 years. Early-onset cases have also been reported (PMID: 18197194, 18337586, 21538529, 25330418). Numerous individuals with Parkinson disease have been reported with missense changes at codon 1441, suggesting that this residue is important for protein function (PMID: 27111571). Assessment of experimental evidence suggests this variant results in abnormal protein function. Studies have shown that expression of this variant results in a reduction in GTPase activity and increased kinase activity (PMID: 17200152, 17442267, 17623048, 19781641, 21658387, 24351927, 30796162).

Department of Pathology and Laboratory Medicine, Sinai Health System
Classification: Pathogenic for Autosomal dominant Parkinson disease 8. Last evaluated: 2021-07-30. Review status: criteria provided, single submitter. Criteria: ACMG Guidelines, 2015. Collection method: research. Allele origin: germline.

Bioscientia Institut fuer Medizinische Diagnostik GmbH, Sonic Healthcare
Classification: Pathogenic for Autosomal dominant Parkinson disease 8. Last evaluated: 2017-04-20. Review status: no assertion criteria provided. Collection method: clinical testing. Allele origin: germline. Affected: yes. Not counted in ClinVar's aggregate classification.

OMIM
Classification: Pathogenic for PARKINSON DISEASE 8, AUTOSOMAL DOMINANT. Last evaluated: 2009-08-25. Review status: no assertion criteria provided. Collection method: literature only. Allele origin: germline. Not counted in ClinVar's aggregate classification.

GeneReviews
No classification provided. Condition: Autosomal dominant Parkinson disease 8. Review status: no classification provided. Collection method: literature only. Allele origin: unknown. Not counted in ClinVar's aggregate classification.

Literature cited by the submitters: PubMed 15541309 (cited by 6 submitters); PubMed 21538529 (cited by 3 submitters); PubMed 24565865 (cited by Labcorp Genetics (formerly Invitae), Labcorp and Mayo Clinic Laboratories, Mayo Clinic); PubMed 16750377 (cited by Labcorp Genetics (formerly Invitae), Labcorp and Women's Health and Genetics/Laboratory Corporation of America, LabCorp); PubMed 17200152 (cited by Labcorp Genetics (formerly Invitae), Labcorp and Athena Diagnostics); PubMed 21494637 (cited by Labcorp Genetics (formerly Invitae), Labcorp); PubMed 21658387 (cited by Labcorp Genetics (formerly Invitae), Labcorp and Athena Diagnostics); PubMed 23241745 (cited by Labcorp Genetics (formerly Invitae), Labcorp); PubMed 16633828 (cited by Women's Health and Genetics/Laboratory Corporation of America, LabCorp); PubMed 18197194 (cited by Mayo Clinic Laboratories, Mayo Clinic and Athena Diagnostics); PubMed 19781641 (cited by Mayo Clinic Laboratories, Mayo Clinic and Athena Diagnostics); PubMed 24496098 (cited by Mayo Clinic Laboratories, Mayo Clinic and Athena Diagnostics); PubMed 25316291 (cited by Mayo Clinic Laboratories, Mayo Clinic and Athena Diagnostics); PubMed 25330418 (cited by Mayo Clinic Laboratories, Mayo Clinic and Athena Diagnostics); PubMed 25355420 (cited by Mayo Clinic Laboratories, Mayo Clinic and Athena Diagnostics); PubMed 26251043 (cited by Mayo Clinic Laboratories, Mayo Clinic and Athena Diagnostics); PubMed 26363496 (cited by Mayo Clinic Laboratories, Mayo Clinic and Athena Diagnostics); PubMed 27111571 (cited by Mayo Clinic Laboratories, Mayo Clinic and Athena Diagnostics); PubMed 30796162 (cited by Mayo Clinic Laboratories, Mayo Clinic and Athena Diagnostics); PubMed 32580205 (cited by Mayo Clinic Laboratories, Mayo Clinic and Athena Diagnostics); PubMed 17623048 (cited by Athena Diagnostics); PubMed 18337586 (cited by Athena Diagnostics); PubMed 22004453 (cited by Athena Diagnostics); PubMed 17442267 (cited by Athena Diagnostics); PubMed 24351927 (cited by Athena Diagnostics); PubMed 25174890 (cited by Athena Diagnostics); PubMed 19667187 (cited by Athena Diagnostics and OMIM); PubMed 7898705 (cited by OMIM); PubMed 16269541 (cited by OMIM); PubMed 31039583 (cited by OMIM); PubMed 20301387 (cited by GeneReviews); NCBI Bookshelf NBK1208 (cited by GeneReviews).

NM_198578.4(LRRK2):c.4321C>T (p.Arg1441Cys)

Gene: LRRK2 (leucine rich repeat kinase 2; plus strand). Cytogenetic location: 12q12.
Variant type: single nucleotide variant.
Coding change: c.4321C>T on transcript NM_198578.4 (MANE Select); coding-DNA position 4321, C replaced by T.
Protein change: p.Arg1441Cys; replaces arginine 1441 with cysteine.
Molecular consequence: missense variant.
Genome position (GRCh38, 1-based): chr12:40,310,434, C>T. VCF-style: chr12-40310434-C-T. GRCh37 (hg19) VCF-style: chr12-40704236-C-T.
Other names: short protein forms R1441C.
Identifiers: ClinVar variation 1938 (VCV000001938.53), dbSNP rs33939927, ClinGen allele CA339922.